The following is an entry in ClinVar:

NM_005359.6(SMAD4):c.1448-11T>C

Gene: SMAD4 (SMAD family member 4; plus strand). Cytogenetic location: 18q21.2.
Variant type: single nucleotide variant.
Coding change: c.1448-11T>C on transcript NM_005359.6 (MANE Select); 11 bases into the intron before coding-DNA position 1448, T replaced by C.
Molecular consequence: intron variant.
Genome position (GRCh38, 1-based): chr18:51,078,245, T>C. VCF-style: chr18-51078245-T-C. GRCh37 (hg19) VCF-style: chr18-48604615-T-C.
Identifiers: ClinVar variation 2032723 (VCV002032723.5), dbSNP rs2144477856, ClinGen allele CA2580095845.

ClinVar aggregate classification (germline): Likely benign. Review status: criteria provided, multiple submitters, no conflicts (2 of 4 stars). 2 submissions from 2 submitters: Likely benign (2). Last evaluated 2026-01-17.

Conditions:
Juvenile polyposis syndrome (JPS). Identifiers: Orphanet 2929, MedGen C0345893, MONDO:0017380, OMIM 174900.
Juvenile polyposis/hereditary hemorrhagic telangiectasia syndrome (JPHT). Also called: JP/HHT SYNDROME; JUVENILE POLYPOSIS WITH HEREDITARY HEMORRHAGIC TELANGIECTASIA; POLYPOSIS, GENERALIZED JUVENILE, WITH PULMONARY ARTERIOVENOUS MALFORMATION; TELANGIECTASIA, HEREDITARY HEMORRHAGIC, WITH JUVENILE POLYPOSIS COLI; Juvenile Polyposis Syndrome / Hereditary Hemorrhagic Telangiectasia (JPS/HHT). Identifiers: Orphanet 2929, MedGen C1832942, MONDO:0008278, OMIM 175050.

Allele frequency attached by ClinVar (database versions not stated): gnomAD exomes below 0.00001.
gnomAD v4.1: 1 of 1,612,890 alleles (0.000062%); highest among the groups gnomAD compares: East Asian, 0.0022%; no homozygotes.

Submissions (2):

Labcorp Genetics (formerly Invitae), Labcorp
Classification: Likely benign for Juvenile polyposis syndrome. Last evaluated: 2026-01-17. Review status: criteria provided, single submitter. Criteria: Invitae Variant Classification Sherloc (09022015). Collection method: clinical testing. Allele origin: germline.

Myriad Genetics, Inc.
Classification: Likely benign for Juvenile polyposis/hereditary hemorrhagic telangiectasia syndrome. Last evaluated: 2025-03-24. Review status: criteria provided, single submitter. Criteria: Myriad Autosomal Dominant, Autosomal Recessive and X-Linked Classification Criteria (2023). Collection method: clinical testing. Allele origin: unknown.
Comment: This variant is considered likely benign. This variant is intronic and is not expected to impact mRNA splicing.